The following is an entry in ClinVar:

NM_017433.5(MYO3A):c.1796G>T (p.Ser599Ile)

Gene: MYO3A (myosin IIIA; plus strand). Cytogenetic location: 10p12.1.
Variant type: single nucleotide variant.
Coding change: c.1796G>T on transcript NM_017433.5 (MANE Select); coding-DNA position 1796, G replaced by T.
Protein change: p.Ser599Ile; replaces serine 599 with isoleucine.
Molecular consequence: missense variant.
Genome position (GRCh38, 1-based): chr10:26,120,695, G>T. VCF-style: chr10-26120695-G-T. GRCh37 (hg19) VCF-style: chr10-26409624-G-T.
Other names: short protein forms S599I.
Identifiers: ClinVar variation 228978 (VCV000228978.22), dbSNP rs142289318, ClinGen allele CA5444781.

ClinVar aggregate classification (germline): Uncertain significance. Review status: criteria provided, multiple submitters, no conflicts (2 of 4 stars). 7 submissions from 7 submitters: Uncertain significance (7). Last evaluated 2026-03-18.

Conditions:
MYO3A-related disorder. Also called: MYO3A-related condition.
Inborn genetic diseases. Identifiers: MedGen C0950123, MeSH D030342.

Allele frequency attached by ClinVar (database versions not stated): gnomAD 0.00019; ExAC 0.00020; TOPMed 0.00022; ESP Exome Variant Server 0.00046.
gnomAD v4.1: 271 of 1,613,874 alleles (0.017%); highest among the groups gnomAD compares: Non-Finnish European, 0.02%; no homozygotes.

Submissions (7):

PreventionGenetics, part of Exact Sciences
Classification: Uncertain significance for MYO3A-related condition. Last evaluated: 2026-03-18. Review status: criteria provided, single submitter. Criteria: ACMG Guidelines, 2015. Collection method: clinical testing. Allele origin: germline.
Comment: The MYO3A c.1796G>T variant is predicted to result in the amino acid substitution p.Ser599Ile. To our knowledge, this variant has not been reported in the literature. This variant is reported in 0.044% of alleles in individuals of European (Finnish) descent in gnomAD. At this time, the clinical significance of this variant is uncertain due to the absence of conclusive functional and genetic evidence.

CeGaT Center for Human Genetics Tuebingen
Classification: Uncertain significance. Last evaluated: 2025-09-01. Review status: criteria provided, single submitter. Criteria: CeGaT Center For Human Genetics Tuebingen Variant Classification Criteria Version 2. Collection method: clinical testing. Allele origin: germline. Affected: yes. Observed: 1 variant allele.
Comment: MYO3A: PM2

GeneDx
Classification: Uncertain significance. Last evaluated: 2025-07-06. Review status: criteria provided, single submitter. Criteria: GeneDx Variant Classification Process June 2021. Collection method: clinical testing. Allele origin: germline. Affected: yes.
Comment: In silico analysis supports that this missense variant has a deleterious effect on protein structure/function; Has not been previously published as pathogenic or benign to our knowledge

Labcorp Genetics (formerly Invitae), Labcorp
Classification: Uncertain significance. Last evaluated: 2025-03-17. Review status: criteria provided, single submitter. Criteria: Invitae Variant Classification Sherloc (09022015). Collection method: clinical testing. Allele origin: germline.
Comment: This sequence change replaces serine, which is neutral and polar, with isoleucine, which is neutral and non-polar, at codon 599 of the MYO3A protein (p.Ser599Ile). This variant is present in population databases (rs142289318, gnomAD 0.04%). This variant has not been reported in the literature in individuals affected with MYO3A-related conditions. ClinVar contains an entry for this variant (Variation ID: 228978). Invitae Evidence Modeling of protein sequence and biophysical properties (such as structural, functional, and spatial information, amino acid conservation, physicochemical variation, residue mobility, and thermodynamic stability) has been performed for this missense variant. However, the output from this modeling did not meet the statistical confidence thresholds required to predict the impact of this variant on MYO3A protein function. In summary, the available evidence is currently insufficient to determine the role of this variant in disease. Therefore, it has been classified as a Variant of Uncertain Significance.

Ambry Genetics
Classification: Uncertain significance for Inborn genetic diseases. Last evaluated: 2023-03-24. Review status: criteria provided, single submitter. Criteria: Ambry Variant Classification Scheme 2023. Collection method: clinical testing. Allele origin: germline.

Blueprint Genetics
Classification: Uncertain significance. Last evaluated: 2021-09-28. Review status: criteria provided, single submitter. Criteria: ACMG Guidelines, 2015. Collection method: clinical testing. Allele origin: germline.

Laboratory for Molecular Medicine, Mass General Brigham Personalized Medicine
Classification: Uncertain significance. Last evaluated: 2018-03-21. Review status: criteria provided, single submitter. Criteria: LMM Criteria. Collection method: clinical testing. Allele origin: germline. Observed: 2 variant alleles.
Comment: The p.Ser599Ile variant in MYO3A has been identified by our laboratory in 2 indi viduals with hearing loss; however, neither individual carried a second variant in the MYO3A gene. It has also been identified in 0.04% (46/126470) of European chromosomes by the Genome Aggregation Database (gnomAD; dbSNP rs142289318). Although this variant has been seen in the general population, its frequency is not high enough to rule out a pathogenic role. Com putational prediction tools and conservation analysis suggest that the variant m ay impact the protein, though this information is not predictive enough to deter mine pathogenicity. In summary, the clinical significance of the p.Ser599Ile var iant is uncertain. ACMG/AMP Criteria applied: PP3.